The following is an entry in ClinVar:

NM_001130004.2(ACTN1):c.136C>T (p.Arg46Trp)

Gene: ACTN1 (actinin alpha 1; minus strand). Cytogenetic location: 14q24.1.
Variant type: single nucleotide variant.
Coding change: c.136C>T on transcript NM_001130004.2 (MANE Select); coding-DNA position 136, C replaced by T.
Protein change: p.Arg46Trp; replaces arginine 46 with tryptophan.
Molecular consequence: missense variant.
Genome position (GRCh38, 1-based): chr14:68,925,642, G>A on the plus strand (C>T on the coding strand, the complement: ACTN1 is on the minus strand). VCF-style: chr14-68925642-G-A. GRCh37 (hg19) VCF-style: chr14-69392359-G-A.
Other names: p.Arg46Trp; c.136C>T, p.Arg46Trp (NM_001102.4, NM_001130005.2); short protein forms R46W.
Identifiers: ClinVar variation 626995 (VCV000626995.17), dbSNP rs747559032, ClinGen allele CA7242798.
Genomic context (GRCh38, chr14:68,925,642, plus strand): 5'-TGAGCTTCAGGCCATCCCGGAAGTCCTCTTCGATGTTCTCGATCTGTGTCCCCGCCTTCC[G>A]GAGGTGGGAGTTACACCATGCCGTGAATGTCTGGGCAGAGACAAGAAGGGCAAGTGGTCA-3'
Protein context (NP_001123476.1, residues 36-56): TFTAWCNSHL[Arg46Trp]KAGTQIENIE

ClinVar aggregate classification (germline): Pathogenic/Likely pathogenic. Review status: criteria provided, multiple submitters, no conflicts (2 of 4 stars). 10 submissions from 9 submitters: Pathogenic (6); Likely pathogenic (2). 2 of the submissions do not count toward it. Last evaluated 2025-10-27.

Conditions:
Inborn genetic diseases. Identifiers: MedGen C0950123, MeSH D030342.
Platelet-type bleeding disorder 15 (BDPLT15). Also called: MACROTHROMBOCYTOPENIA, AUTOSOMAL DOMINANT, ACTN1-RELATED. Identifiers: Orphanet 140957, MedGen C3554663, MONDO:0014078, OMIM 615193.
ACTN1-related disorder. Also called: ACTN1-related condition.
Macrothrombocytopenia. Identifiers: MedGen C2751260, HP:0040185.
Thrombocytopenia. Identifiers: MedGen C0040034, MeSH D013921, MONDO:0002049, HP:0001873.

Allele frequency attached by ClinVar (database versions not stated): gnomAD exomes below 0.00001; ExAC 0.00001.
gnomAD v4.1: 7 of 1,613,104 alleles (0.00043%); highest among the groups gnomAD compares: African/African-American, 0.0013%; no homozygotes.

Submissions (10):

PreventionGenetics, part of Exact Sciences
Classification: Likely pathogenic for ACTN1-related condition. Last evaluated: 2025-10-27. Review status: criteria provided, single submitter. Criteria: ACMG Guidelines, 2015. Collection method: clinical testing. Allele origin: germline.
Comment: The ACTN1 c.136C>T variant is predicted to result in the amino acid substitution p.Arg46Trp. This variant has been reported in multiple individuals with thrombocytopenia (Bottega et al. 2015. PubMed ID: 25361813; Boutroux et al. 2017. PubMed ID: 28562514; Marconi et al. 2023. PubMed ID: 36519321). This variant is reported in 0.00088% of alleles in individuals of European (non-Finnish) descent in gnomAD. An alternate missense change affecting the same amino acid (p.Arg46Gln) has been reported in multiple individuals with thrombocytopenia (Kunishima et al. 2013. PubMed ID: 23434115). The c.136C>T (p.Arg46Trp) variant is interpreted as likely pathogenic.

Mayo Clinic Laboratories, Mayo Clinic
Classification: Pathogenic. Last evaluated: 2025-09-24. Review status: criteria provided, single submitter. Criteria: ACMG Guidelines, 2015. Collection method: clinical testing. Allele origin: germline. Observed: 3 variant alleles.
Comment: PP1_strong, PP2, PP3_strong, PM1, PM2_supporting, PS3_moderate, PS4_moderate

Labcorp Genetics (formerly Invitae), Labcorp
Classification: Pathogenic. Last evaluated: 2025-09-04. Review status: criteria provided, single submitter. Criteria: Invitae Variant Classification Sherloc (09022015). Collection method: clinical testing. Allele origin: germline.
Comment: This sequence change replaces arginine, which is basic and polar, with tryptophan, which is neutral and slightly polar, at codon 46 of the ACTN1 protein (p.Arg46Trp). This variant is present in population databases (rs747559032, gnomAD 0.0009%). This missense change has been observed in individual(s) with clinical features of thrombocytopenia (PMID: 25361813, 30351444, 32581362). It has also been observed to segregate with disease in related individuals. ClinVar contains an entry for this variant (Variation ID: 626995). Invitae Evidence Modeling of protein sequence and biophysical properties (such as structural, functional, and spatial information, amino acid conservation, physicochemical variation, residue mobility, and thermodynamic stability) indicates that this missense variant is expected to disrupt ACTN1 protein function with a positive predictive value of 80%. Experimental studies have shown that this missense change affects ACTN1 function (PMID: 25361813). For these reasons, this variant has been classified as Pathogenic.

Laboratory of Genetics, Children's Clinical University Hospital Latvia
Classification: Pathogenic. Last evaluated: 2025-02-16. Review status: criteria provided, single submitter. Criteria: ACMG Guidelines, 2015. Collection method: clinical testing. Allele origin: germline. Affected: yes.

GeneDx
Classification: Pathogenic. Last evaluated: 2025-02-11. Review status: criteria provided, single submitter. Criteria: GeneDx Variant Classification Process June 2021. Collection method: clinical testing. Allele origin: germline. Affected: yes.
Comment: Published functional studies suggest a damaging effect on organization of the cytoskeleton (PMID: 25361813); Not observed at significant frequency in large population cohorts (gnomAD); In silico analysis supports that this missense variant has a deleterious effect on protein structure/function; This variant is associated with the following publications: (PMID: 24069336, Boeckelmann2023[CaseReport], 36519321, 34662886, 31064749, 30351444, 32581362, 26312134, 31249973, 30349881, 27348543, 25949529, 39918740, 25361813, 28562514, 31237726)

Blueprint Genetics
Classification: Pathogenic for ACTN1-related disorders. Last evaluated: 2021-03-11. Review status: criteria provided, single submitter. Criteria: ACMG Guidelines, 2015. Collection method: clinical testing. Allele origin: germline. Affected: yes. Observed: 1 variant allele.

Ambry Genetics
Classification: Likely pathogenic for Inborn genetic diseases. Last evaluated: 2020-03-10. Review status: criteria provided, single submitter. Criteria: Ambry Variant Classification Scheme 2023. Collection method: clinical testing. Allele origin: germline.
Comment: The alteration results in an amino acid change:_x000D_ _x000D_ The c.136C>T (p.R46W) alteration is located in coding exon 2 of the ACTN1 gene. This alteration results from a C to T substitution at nucleotide position 136, causing the arginine (R) at amino acid position 46 to be replaced by a tryptophan (W). The alteration is rare in population databases: _x000D_ _x000D_ Based on data from the Genome Aggregation Database (gnomAD), the c.136C>T alteration was observed in 0.0004% (1/249,952) of total alleles studied. Alterations at this codon have been observed in affected individuals:_x000D_ _x000D_ The c.136C>T (p.R46W) alteration co-segregated with disease in two unrelated families with inherited thrombocytopenia and platelet macrocytosis (Bottega, 2015). In addition, alterations affecting the same codon, p.R46Q, were observed in two additional unrelated families with macrothrombocytopenia (Gu&eacute;guen, 2013; Kunishima, 2013). The altered amino acid is conserved throughout evolution:_x000D_ _x000D_ The p.R46 amino acid is conserved in available vertebrate species. Functional analysis reveals a damaging effect of the amino acid alteration:_x000D_ _x000D_ Functional analysis demonstrated that the p.R46W alteration prevents filament formation and co-localizing of ACTN1 with actin. Bottega, et al (2015) performed immunoflouroscence assays in human fibroblasts transfected with wild-type constructs and mutant R46W constructs. They observed that in wild-type cells, the cytoskeleton was organized in filaments with ACTN1 co-localizing with actin; however, in cells expressing R46W, ACTN1 was distributed uniformly within the cytoplasm and was no longer organized in filaments. The alteration is predicted deleterious by in silico modeling:_x000D_ _x000D_ The p.R46W alteration is predicted to be deleterious by in silico analysis. Based on the available evidence, this alteration is classified as likely pathogenic.

NIHR Bioresource Rare Diseases, University of Cambridge
Classification: Pathogenic for Thrombocytopenia. Last evaluated: 2019-02-01. Review status: criteria provided, single submitter. Criteria: ACMG Guidelines, 2015. Collection method: research. Allele origin: unknown. Affected: yes. Observed: 1 heterozygote. Study: ThromboGenomics.

ISTH-SSC Genomics in Thrombosis and Hemostasis, KU Leuven, Center for Molecular and Vascular Biology
Classification: Likely pathogenic for Platelet-type bleeding disorder 15. Review status: no assertion criteria provided. Collection method: research. Allele origin: unknown. Affected: yes. Not counted in ClinVar's aggregate classification.
Comment: Submitted to GoldVariant by Neil Morgan from Birmingham Platelet Group, Birmingham, UK

NIHR Bioresource Rare Diseases, University of Cambridge
Classification: Pathogenic for Macrothrombocytopenia. Review status: no assertion criteria provided. Collection method: research. Allele origin: unknown. Affected: yes. Observed: 1 variant allele. Not counted in ClinVar's aggregate classification.

Literature cited by the submitters: PubMed 25361813 (cited by 3 submitters); PubMed 30351444 (cited by Mayo Clinic Laboratories, Mayo Clinic and Labcorp Genetics (formerly Invitae), Labcorp); PubMed 31237726 (cited by Mayo Clinic Laboratories, Mayo Clinic); PubMed 31249973 (cited by Mayo Clinic Laboratories, Mayo Clinic); PubMed 32581362 (cited by Labcorp Genetics (formerly Invitae), Labcorp and NIHR Bioresource Rare Diseases, University of Cambridge); PubMed 23434115 (cited by Ambry Genetics); PubMed 24069336 (cited by Ambry Genetics); PubMed 31064749 (cited by NIHR Bioresource Rare Diseases, University of Cambridge).